The following is an entry in ClinVar:

NM_001379291.1(BRD4):c.2158+155C>G

Gene: BRD4 (bromodomain containing 4; minus strand). Cytogenetic location: 19p13.12.
Variant type: single nucleotide variant.
Coding change: c.2158+155C>G on transcript NM_001379291.1 (MANE Select); 155 bases into the intron after coding-DNA position 2158, C replaced by G.
Molecular consequence: intron variant.
Genome position (GRCh38, 1-based): chr19:15,253,997, G>C on the plus strand (C>G on the coding strand, the complement: BRD4 is on the minus strand). VCF-style: chr19-15253997-G-C. GRCh37 (hg19) VCF-style: chr19-15364808-G-C.
Other names: c.2158+155C>G (NM_058243.3, NM_001379292.1, NM_014299.3 and 1 more transcripts).
Identifiers: ClinVar variation 2498765 (VCV002498765.28), dbSNP rs530226057, ClinGen allele CA305799229.
Genomic context (GRCh38, chr19:15,253,997, plus strand): 5'-AACGGCCAGGCCGAGAGAATGGACACTACTGCACAGAGTGCAGGGCTATTCATGGCCCCA[G>C]GGAGACAGTTAACAAAGAGACAGACAGACAGAGGAACCCAGCAAGTTCTGGGAGTGCCGT-3'

ClinVar aggregate classification (germline): Likely benign (1 of 4 stars; one submission).

Allele frequency attached by ClinVar (database versions not stated): gnomAD 0.00080; gnomAD exomes 0.00116.
gnomAD v4.1: 781 of 728,752 alleles (0.11%); highest among the groups gnomAD compares: Non-Finnish European, 0.16%; 1 homozygote.

Submission:

CeGaT Center for Human Genetics Tuebingen
Classification: Likely benign. Last evaluated: 2026-07-01. Review status: criteria provided, single submitter. Criteria: CeGaT Center For Human Genetics Tuebingen Variant Classification Criteria Version 2. Collection method: clinical testing. Allele origin: germline. Affected: yes. Observed: 7 variant alleles.
Comment: BRD4: BS1